The following is an entry in ClinVar:

ClinVar aggregate classification (germline): Pathogenic (1 of 4 stars; one submission).

Conditions:
Neurofibromatosis, type 1 (NF1). Also called: VON RECKLINGHAUSEN DISEASE; Peripheral type neurofibromatosis; NEUROFIBROMATOSIS, TYPE I, SOMATIC; Neurofibromatosis, type I. Identifiers: Orphanet 636, MedGen C0027831, MONDO:0018975, OMIM 162200. Disease mechanism: loss of function.

Submission:

Labcorp Genetics (formerly Invitae), Labcorp
Classification: Pathogenic for Neurofibromatosis, type 1. Last evaluated: 2020-10-09. Review status: criteria provided, single submitter. Criteria: Invitae Variant Classification Sherloc (09022015). Collection method: clinical testing. Allele origin: germline.
Comment: This sequence change creates a premature translational stop signal (p.Gln2567Hisfs*36) in the NF1 gene. It is expected to result in an absent or disrupted protein product. This variant is not present in population databases (ExAC no frequency). This variant has not been reported in the literature in individuals with NF1-related conditions. Loss-of-function variants in NF1 are known to be pathogenic (PMID: 10712197, 23913538). For these reasons, this variant has been classified as Pathogenic.

Literature cited by the submitters: PubMed 10712197; PubMed 23913538.

NM_001042492.3(NF1):c.7764del (p.Gln2588fs)

Gene: NF1 (neurofibromin 1; plus strand). Cytogenetic location: 17q11.2.
Variant type: Deletion.
Coding change: c.7764del on transcript NM_001042492.3 (MANE Select); coding-DNA position 7764, one base deleted (A; older notation c.7764delA).
Protein change: p.Gln2588fs; shifts the reading frame from glutamine 2588.
Molecular consequence: frameshift variant.
Genome position (GRCh38, 1-based): chr17:31,356,985, A deleted; the last of 2 consecutive A bases (chr17:31,356,984-31,356,985); deleting either gives the same sequence. VCF-style (leftmost placement, unchanged base first): chr17-31356983-CA-C. GRCh37 (hg19) VCF-style: chr17-29684001-CA-C.
Other names: c.7701delA, p.Gln2567Hisfs (NM_000267.4); short protein forms Q2567fs, Q2588fs.
Identifiers: ClinVar variation 1071681 (VCV001071681.5), dbSNP rs2151582236, ClinGen allele CA2499224238.
Genomic context (GRCh38, chr17:31,356,983, plus strand): 5'-AGGTGTTTGATCACGTTAATTCCCTATCTTGCTGCAGAAACTCAGAGGATTTCCTCATCA[CA>C]ACAGCACCCACATTTACGTAAAGTTTCAGTGTCTGAATCAAATGTTCTCTTGGATGAAGA-3'